The following is an entry in ClinVar:

ClinVar aggregate classification (germline): Uncertain significance (1 of 4 stars; one submission).

Conditions:
Gamma-aminobutyric acid transaminase deficiency (GABATD). Also called: GABA aminotransaminase deficiency; GABA transaminase deficiency; Gamma aminobutyrate transaminase deficiency; 4 alpha aminobutyrate transaminase deficiency. Identifiers: Orphanet 2066, MedGen C0342708, MONDO:0013166, OMIM 613163.

Submission:

Labcorp Genetics (formerly Invitae), Labcorp
Classification: Uncertain significance for Gamma-aminobutyric acid transaminase deficiency. Last evaluated: 2022-08-16. Review status: criteria provided, single submitter. Criteria: Invitae Variant Classification Sherloc (09022015). Collection method: clinical testing. Allele origin: germline.
Comment: In summary, the available evidence is currently insufficient to determine the role of this variant in disease. Therefore, it has been classified as a Variant of Uncertain Significance. Experimental studies and prediction algorithms are not available or were not evaluated, and the functional significance of this variant is currently unknown. This variant has not been reported in the literature in individuals affected with ABAT-related conditions. This variant results in a copy number gain of the genomic region encompassing exon(s) 12-16 of the ABAT gene. This region includes the termination codon of the gene. This copy number gain extends beyond the assayed region for this gene and therefore may encompass additional genes. As the precise location of this event is unknown, it may be in tandem or it may be located elsewhere in the genome.

NC_000016.9:g.(?_8866617)_(8900284_?)dup

Genes: TMEM186 (transmembrane protein 186; minus strand), PMM2 (phosphomannomutase 2; plus strand), ABAT (4-aminobutyrate aminotransferase; plus strand). Cytogenetic location: 16p13.2.
Variant type: Duplication.
Identifiers: ClinVar variation 1412230 (VCV001412230.6).